The following is an entry in ClinVar:

ClinVar aggregate classification (germline): Likely benign. Review status: criteria provided, single submitter (1 of 4 stars). 2 submissions from 2 submitters: Likely benign (1). 1 of the submissions does not count toward it. Last evaluated 2026-09-01.

Conditions:
CAPN15-related disorder. Also called: CAPN15-related condition.

Allele frequency attached by ClinVar (database versions not stated): ESP Exome Variant Server 0.00008; gnomAD exomes 0.00009; gnomAD 0.00013; TOPMed 0.00018; 1000 Genomes Project 30x 0.00031; 1000 Genomes Project 0.00040.
gnomAD v4.1: 147 of 1,611,764 alleles (0.0091%); highest among the groups gnomAD compares: South Asian, 0.014%; no homozygotes.

Submissions (2):

CeGaT Center for Human Genetics Tuebingen
Classification: Likely benign. Last evaluated: 2026-09-01. Review status: criteria provided, single submitter. Criteria: CeGaT Center For Human Genetics Tuebingen Variant Classification Criteria Version 2. Collection method: clinical testing. Allele origin: germline. Affected: yes. Observed: 1 variant allele.
Comment: CAPN15: BP4, BP7

PreventionGenetics, part of Exact Sciences
Classification: Likely benign for CAPN15-related condition. Last evaluated: 2019-06-07. Review status: no assertion criteria provided. Collection method: clinical testing. Allele origin: germline. Not counted in ClinVar's aggregate classification.
Comment: This variant is classified as likely benign based on ACMG/AMP sequence variant interpretation guidelines (Richards et al. 2015 PMID: 25741868, with internal and published modifications).

NM_005632.3(CAPN15):c.2235C>T (p.Asn745=)

Gene: CAPN15 (calpain 15; plus strand). Cytogenetic location: 16p13.3.
Variant type: single nucleotide variant.
Coding change: c.2235C>T on transcript NM_005632.3 (MANE Select); coding-DNA position 2235, C replaced by T.
Protein change: p.Asn745=; no amino-acid change (asparagine 745 retained).
Molecular consequence: synonymous variant.
Genome position (GRCh38, 1-based): chr16:551,554, C>T. VCF-style: chr16-551554-C-T. GRCh37 (hg19) VCF-style: chr16-601554-C-T.
Identifiers: ClinVar variation 3044788 (VCV003044788.3), dbSNP rs377258156, ClinGen allele CA7778641.
Genomic context (GRCh38, chr16:551,554, plus strand): 5'-CACCCCTGTGGTCTGCAGGCTTCTGCGGCTCCGAAACCCGTGGGGCCGTTTCTCCTGGAA[C>T]GGCAGCTGGTCCGACGAGTGGCCACACTGGCCGGGGCACCTGCGTGGCGAGCTCATGCCG-3'
Protein context (NP_005623.1, residues 735-755): LRNPWGRFSW[Asn745=]GSWSDEWPHW